The following is an entry in ClinVar:

NM_003126.4(SPTA1):c.4984G>T (p.Ala1662Ser)

Gene: SPTA1 (spectrin alpha, erythrocytic 1; minus strand). Cytogenetic location: 1q23.1.
Variant type: single nucleotide variant.
Coding change: c.4984G>T on transcript NM_003126.4 (MANE Select); coding-DNA position 4984, G replaced by T.
Protein change: p.Ala1662Ser; replaces alanine 1662 with serine.
Molecular consequence: missense variant.
Genome position (GRCh38, 1-based): chr1:158,638,238, C>A on the plus strand (G>T on the coding strand, the complement: SPTA1 is on the minus strand). VCF-style: chr1-158638238-C-A. GRCh37 (hg19) VCF-style: chr1-158608028-C-A.
Other names: short protein forms A1662S.
Identifiers: ClinVar variation 2622114 (VCV002622114.8), dbSNP rs766252984, ClinGen allele CA1182454.

ClinVar aggregate classification (germline): Uncertain significance. Review status: criteria provided, multiple submitters, no conflicts (2 of 4 stars). 4 submissions from 4 submitters: Uncertain significance (4). Last evaluated 2025-10-29.

Allele frequency attached by ClinVar (database versions not stated): ExAC 0.00002; TOPMed 0.00003; gnomAD exomes 0.00004; gnomAD 0.00007.
gnomAD v4.1: 74 of 1,611,366 alleles (0.0046%); highest among the groups gnomAD compares: Non-Finnish European, 0.0048%; no homozygotes.

Submissions (4):

Ambry Genetics
Classification: Uncertain significance. Last evaluated: 2025-10-29. Review status: criteria provided, single submitter. Criteria: Ambry Variant Classification Scheme 2023. Collection method: clinical testing. Allele origin: germline.

Blueprint Genetics
Classification: Uncertain significance. Last evaluated: 2024-10-26. Review status: criteria provided, single submitter. Criteria: ACMG Guidelines, 2015. Collection method: clinical testing. Allele origin: germline.

ARUP Laboratories, Molecular Genetics and Genomics, ARUP Laboratories
Classification: Uncertain significance. Last evaluated: 2024-08-16. Review status: criteria provided, single submitter. Criteria: ARUP Molecular Germline Variant Investigation Process 2024. Collection method: clinical testing. Allele origin: germline.
Comment: The SPTA1 c.4984G>T; p.Ala1662Ser variant (rs766252984), to our knowledge, is not reported in the medical literature but is reported in ClinVar (Variation ID: 2622114). This variant is found in the general population with an overall allele frequency of 0.004% (12/277,992 alleles) in the Genome Aggregation Database (v2.1.1). Computational analyses predict that this variant is neutral (REVEL: 0.052). Due to limited information, the clinical significance of this variant is uncertain at this time.

Labcorp Genetics (formerly Invitae), Labcorp
Classification: Uncertain significance. Last evaluated: 2023-10-05. Review status: criteria provided, single submitter. Criteria: Invitae Variant Classification Sherloc (09022015). Collection method: clinical testing. Allele origin: germline.
Comment: This sequence change replaces alanine, which is neutral and non-polar, with serine, which is neutral and polar, at codon 1662 of the SPTA1 protein (p.Ala1662Ser). This variant is present in population databases (rs766252984, gnomAD 0.02%). This variant has not been reported in the literature in individuals affected with SPTA1-related conditions. Advanced modeling of protein sequence and biophysical properties (such as structural, functional, and spatial information, amino acid conservation, physicochemical variation, residue mobility, and thermodynamic stability) performed at Invitae indicates that this missense variant is not expected to disrupt SPTA1 protein function. In summary, the available evidence is currently insufficient to determine the role of this variant in disease. Therefore, it has been classified as a Variant of Uncertain Significance.